The following is an entry in ClinVar:

ClinVar aggregate classification (germline): Uncertain significance. Review status: criteria provided, multiple submitters, no conflicts (2 of 4 stars). 2 submissions from 2 submitters: Uncertain significance (2). Last evaluated 2025-08-24.

Conditions:
Inborn genetic diseases. Identifiers: MedGen C0950123, MeSH D030342.

Allele frequency attached by ClinVar (database versions not stated): TOPMed below 0.00001; gnomAD 0.00001.

Submissions (2):

Labcorp Genetics (formerly Invitae), Labcorp
Classification: Uncertain significance. Last evaluated: 2025-08-24. Review status: criteria provided, single submitter. Criteria: Invitae Variant Classification Sherloc (09022015). Collection method: clinical testing. Allele origin: germline.
Comment: This sequence change replaces arginine, which is basic and polar, with isoleucine, which is neutral and non-polar, at codon 497 of the MBD4 protein (p.Arg497Ile). This variant is not present in population databases (gnomAD no frequency). This variant has not been reported in the literature in individuals affected with MBD4-related conditions. ClinVar contains an entry for this variant (Variation ID: 2969122). An algorithm developed to predict the effect of missense changes on protein structure and function (PolyPhen-2) suggests that this variant is likely to be disruptive. In summary, the available evidence is currently insufficient to determine the role of this variant in disease. Therefore, it has been classified as a Variant of Uncertain Significance.

Ambry Genetics
Classification: Uncertain significance for Inborn genetic diseases. Last evaluated: 2025-02-04. Review status: criteria provided, single submitter. Criteria: Ambry Variant Classification Scheme 2023. Collection method: clinical testing. Allele origin: germline.
Comment: The p.R491I variant (also known as c.1472G>T), located in coding exon 6 of the MBD4 gene, results from a G to T substitution at nucleotide position 1472. The arginine at codon 491 is replaced by isoleucine, an amino acid with similar properties. This amino acid position is conserved. In addition, this alteration is predicted to be tolerated by in silico analysis. Based on the available evidence, the clinical significance of this variant remains unclear.

NM_001276270.2(MBD4):c.1472G>T (p.Arg491Ile)

Gene: MBD4 (methyl-CpG binding domain 4, DNA glycosylase; minus strand). Cytogenetic location: 3q21.3.
Variant type: single nucleotide variant.
Coding change: c.1472G>T on transcript NM_001276270.2 (MANE Select); coding-DNA position 1472, G replaced by T.
Protein change: p.Arg491Ile; replaces arginine 491 with isoleucine.
Molecular consequence: missense variant.
Genome position (GRCh38, 1-based): chr3:129,433,169, C>A on the plus strand (G>T on the coding strand, the complement: MBD4 is on the minus strand). VCF-style: chr3-129433169-C-A. GRCh37 (hg19) VCF-style: chr3-129152012-C-A.
Other names: c.1490G>T, p.Arg497Ile (NM_001276271.2, NM_001276272.2, NM_003925.3); c.536G>T, p.Arg179Ile (NM_001276273.2); short protein forms R491I, R179I, R497I.
Identifiers: ClinVar variation 2969122 (VCV002969122.4), dbSNP rs749745357, ClinGen allele CA354465234.
Genomic context (GRCh38, chr3:129,433,169, plus strand): 5'-ACAATGGTTTTTGCCCGAAGATCGTAGAGACCAAGAGGTTTAAGAAGTTCTGACACATCT[C>A]TCCAGTCTGCGGTTCTTGCTACCTCAGCTGAAGGATACTTCTCCAGAAACTTCCAAAGCA-3'
Protein context (NP_001263199.1, residues 481-501): SAEVARTADW[Arg491Ile]DVSELLKPLG